The following is an entry in ClinVar:

NM_000836.4(GRIN2D):c.1529del (p.Asn510fs)

Gene: GRIN2D (glutamate ionotropic receptor NMDA type subunit 2D; plus strand). Cytogenetic location: 19q13.33.
Variant type: Deletion.
Coding change: c.1529del on transcript NM_000836.4 (MANE Select); coding-DNA position 1529, one base deleted (A; older notation c.1529delA).
Protein change: p.Asn510fs; shifts the reading frame from asparagine 510.
Molecular consequence: frameshift variant.
Genome position (GRCh38, 1-based): chr19:48,414,980, A deleted; the last of 2 consecutive A bases (chr19:48,414,979-48,414,980); deleting either gives the same sequence. VCF-style (leftmost placement, unchanged base first): chr19-48414978-CA-C. GRCh37 (hg19) VCF-style: chr19-48918235-CA-C.
Other names: short protein forms N510fs.
Identifiers: ClinVar variation 2023493 (VCV002023493.4), dbSNP rs2513671864, ClinGen allele CA2580097633.
Genomic context (GRCh38, chr19:48,414,978, plus strand): 5'-CGACATTCTGAAGCGGCTGGCGCATACCATCGGCTTCAGCTACGACCTCTACCTGGTCAC[CA>C]ATGGCAAGCACGGAAAGAAGATCGATGGCGTCTGGAACGGCATGATCGGGGAGGTGAGGG-3'

ClinVar aggregate classification (germline): Uncertain significance (1 of 4 stars; one submission).

Submission:

Labcorp Genetics (formerly Invitae), Labcorp
Classification: Uncertain significance. Last evaluated: 2022-08-10. Review status: criteria provided, single submitter. Criteria: Invitae Variant Classification Sherloc (09022015). Collection method: clinical testing. Allele origin: germline.
Comment: This sequence change creates a premature translational stop signal (p.Asn510Metfs*15) in the GRIN2D gene. It is expected to result in an absent or disrupted protein product. However, the current clinical and genetic evidence is not sufficient to establish whether loss-of-function variants in GRIN2D cause disease. This variant is not present in population databases (gnomAD no frequency). This variant has not been reported in the literature in individuals affected with GRIN2D-related conditions. In summary, the available evidence is currently insufficient to determine the role of this variant in disease. Therefore, it has been classified as a Variant of Uncertain Significance.